The following is an entry in ClinVar:

ClinVar aggregate classification (germline): Uncertain significance. Review status: criteria provided, multiple submitters, no conflicts (2 of 4 stars). 3 submissions from 3 submitters: Uncertain significance (3). Last evaluated 2025-12-23.

Conditions:
Inflammatory skin and bowel disease, neonatal, 1. Identifiers: Orphanet 294023, MedGen C3280501, MONDO:0013693, OMIM 614328.

Allele frequency attached by ClinVar (database versions not stated): TOPMed 0.00006; gnomAD 0.00007 and 0.00008; gnomAD exomes 0.00008 and 0.00011; ExAC 0.00009; ESP Exome Variant Server 0.00015.
gnomAD v4.1: 170 of 1,610,136 alleles (0.011%); highest among the groups gnomAD compares: Non-Finnish European, 0.014%; no homozygotes.

Submissions (3):

Labcorp Genetics (formerly Invitae), Labcorp
Classification: Uncertain significance for Inflammatory skin and bowel disease, neonatal, 1. Last evaluated: 2025-12-23. Review status: criteria provided, single submitter. Criteria: Invitae Variant Classification Sherloc (09022015). Collection method: clinical testing. Allele origin: germline.
Comment: This sequence change replaces cysteine, which is neutral and slightly polar, with tyrosine, which is neutral and polar, at codon 693 of the ADAM17 protein (p.Cys693Tyr). This variant is present in population databases (rs375942302, gnomAD 0.02%). This variant has not been reported in the literature in individuals affected with ADAM17-related conditions. ClinVar contains an entry for this variant (Variation ID: 872195). An algorithm developed to predict the effect of missense changes on protein structure and function (PolyPhen-2) suggests that this variant is likely to be tolerated. In summary, the available evidence is currently insufficient to determine the role of this variant in disease. Therefore, it has been classified as a Variant of Uncertain Significance.

Mayo Clinic Laboratories, Mayo Clinic
Classification: Uncertain significance. Last evaluated: 2025-05-11. Review status: criteria provided, single submitter. Criteria: ACMG Guidelines, 2015. Collection method: clinical testing. Allele origin: germline. Observed: 1 variant allele.
Comment: BP4

CeGaT Center for Human Genetics Tuebingen
Classification: Uncertain significance. Last evaluated: 2019-07-01. Review status: criteria provided, single submitter. Criteria: CeGaT Center For Human Genetics Tuebingen Variant Classification Criteria Version 2. Collection method: clinical testing. Allele origin: germline. Affected: yes. Observed: 1 variant allele.

NM_003183.6(ADAM17):c.2078G>A (p.Cys693Tyr)

Genes: ADAM17 (ADAM metallopeptidase domain 17; minus strand), IAH1 (isoamyl acetate hydrolyzing esterase 1 (putative); plus strand). Cytogenetic location: 2p25.1.
Variant type: single nucleotide variant.
Coding change: c.2078G>A on transcript NM_003183.6 (MANE Select); coding-DNA position 2078, G replaced by A.
Protein change: p.Cys693Tyr; replaces cysteine 693 with tyrosine.
Molecular consequence: missense variant.
Genome position (GRCh38, 1-based): chr2:9,492,902, C>T on the plus strand (G>A on the coding strand, the complement: ADAM17 is on the minus strand). VCF-style: chr2-9492902-C-T. GRCh37 (hg19) VCF-style: chr2-9633031-C-T.
Other names: p.Cys693Tyr; short protein forms C693Y.
Identifiers: ClinVar variation 872195 (VCV000872195.46), dbSNP rs375942302, ClinGen allele CA1523337.